The following is an entry in ClinVar:

Conditions:
Breast-ovarian cancer, familial, susceptibility to, 1 (BROVCA1). Also called: BRCA1 Hereditary Breast and Ovarian Cancer; OVARIAN CANCER, SUSCEPTIBILITY TO. Identifiers: Orphanet 145, MedGen C2676676, MONDO:0011450, OMIM 604370. Disease mechanism: loss of function.

Submission:

Brotman Baty Institute, University of Washington
No classification provided (evidence only). Condition: Breast-ovarian cancer, familial 1. Review status: no classification provided. Collection method: in vitro. Allele origin: not applicable. Functional consequence: functionally_abnormal.
ClinVar note: "not provided" was previously submitted as the classification for the variant. However, the classification appeared to be based only on an observation of functional data so it was converted to no classification on 2025-07-30.

NM_007294.4(BRCA1):c.182G>C (p.Cys61Ser)

Gene: BRCA1 (BRCA1 DNA repair associated; minus strand). Cytogenetic location: 17q21.31.
Variant type: single nucleotide variant.
Coding change: c.182G>C on transcript NM_007294.4 (MANE Select); coding-DNA position 182, G replaced by C.
Protein change: p.Cys61Ser; replaces cysteine 61 with serine.
Molecular consequence: missense variant. On other transcripts: non-coding transcript variant (1).
Genome position (GRCh38, 1-based): chr17:43,106,486, C>G on the plus strand (G>C on the coding strand, the complement: BRCA1 is on the minus strand). VCF-style: chr17-43106486-C-G. GRCh37 (hg19) VCF-style: chr17-41258503-C-G.
Other names: c.41G>C, p.Cys14Ser (NM_001407934.1, NM_001407935.1, NM_001407936.1 and 99 more transcripts); c.182G>C, p.Cys61Ser (NM_001407937.1, NM_001407938.1, NM_001407939.1 and 168 more transcripts); c.-7G>C (NM_001407946.1, NM_001407947.1, NM_001407948.1 and 58 more transcripts); short protein forms C14S, C61S.
Identifiers: ClinVar variation 867922 (VCV000867922.3), dbSNP rs80357093, ClinGen allele CA10601800.